The following is an entry in ClinVar:

ClinVar aggregate classification (germline): Pathogenic (1 of 4 stars; one submission).

Conditions:
Telangiectasia, hereditary hemorrhagic, type 1 (HHT1). Also called: Osler Weber Rendu syndrome type 1; ENG-Related Hereditary Hemorrhagic Telangiectasia. Identifiers: Orphanet 774, MedGen C4551861, MONDO:0008535, OMIM 187300. Disease mechanism: loss of function.

Submission:

NIHR Bioresource Rare Diseases, University of Cambridge
Classification: Pathogenic for Telangiectasia, hereditary hemorrhagic, type 1. Last evaluated: 2018-01-01. Review status: criteria provided, single submitter. Criteria: ACMG Guidelines, 2015. Collection method: research. Allele origin: unknown. Affected: yes. Observed: 1 variant allele.
Comment: PVS1+PM2+PP4

Literature cited by the submitters: PubMed 32573726.

NM_001114753.3(ENG):c.220-988_1134+331del

Gene: ENG (endoglin; minus strand). Cytogenetic location: 9q34.11.
Variant type: Deletion.
Coding change: c.220-988_1134+331del on transcript NM_001114753.3 (MANE Select); 988 bases into the intron before coding-DNA position 220 through 331 bases into the intron after coding-DNA position 1134, 6,843 bases deleted.
Molecular consequence: splice acceptor variant, splice donor variant. On other transcripts: initiator codon variant (1).
Genome position (GRCh38, 1-based): chr9:127,823,973-127,830,815, 6,843 bases deleted. GRCh37 (hg19): chr9:130,586,252-130,593,094.
Other names: c.220-988_1134+331del (NM_000118.4); c.-327-988_588+331del (NM_001278138.2).
Identifiers: ClinVar variation 982461 (VCV000982461.4), ClinGen allele CA1139661203.